The following is an entry in ClinVar:

ClinVar aggregate classification (germline): Likely pathogenic (1 of 4 stars; one submission).

Allele frequency attached by ClinVar (database versions not stated): TOPMed below 0.00001.

Submission:

GeneDx
Classification: Likely pathogenic. Last evaluated: 2014-11-20. Review status: criteria provided, single submitter. Criteria: GeneDx Variant Classification (06012015). Collection method: clinical testing. Allele origin: germline. Affected: yes.
Comment: p.Phe1829Cys (TTT>TGT): c.5486 T>G in exon 66 of the COL5A1 gene (NM_000093.3) The F1829C has not been published as a mutation, nor has it been reported as a benign polymorphism to our knowledge. The F1829C variant was not observed in approximately 6,500 individuals of European and African American ancestry in the NHLBI Exome Sequencing Project, indicating it is not a common benign variant in these populations. The F1829C variant is a non-conservative amino acid substitution, which is likely to impact secondary protein structure as these residues differ in polarity, charge, size and/or other properties. Additionally, this substitution occurs at a position that is conserved across species and in silico analysis predicts this variant is probably damaging to the protein structure/function. Furthermore, missense mutations in nearby residues (G1832R, C1835S) have been reported in association with Ehlers-Danlos syndrome, supporting the functional importance of this region of the protein. Therefore, this variant is a strong candidate for a pathogenic mutation, however the possibility that it is a benign variant cannot be excluded.This variant was found in TAADV2-1

NM_000093.5(COL5A1):c.5486T>G (p.Phe1829Cys)

Genes: COL5A1 (collagen type V alpha 1 chain; plus strand), LOC101448202 (uncharacterized LOC101448202; minus strand). Cytogenetic location: 9q34.3.
Variant type: single nucleotide variant.
Coding change: c.5486T>G on transcript NM_000093.5 (MANE Select); coding-DNA position 5486, T replaced by G.
Protein change: p.Phe1829Cys; replaces phenylalanine 1829 with cysteine.
Molecular consequence: missense variant.
Genome position (GRCh38, 1-based): chr9:134,842,272, T>G. VCF-style: chr9-134842272-T-G. GRCh37 (hg19) VCF-style: chr9-137734118-T-G.
Other names: p.F1829C:TTT>TGT; c.5486T>G, p.Phe1829Cys (NM_001278074.1); short protein forms F1829C.
Identifiers: ClinVar variation 213067 (VCV000213067.2), dbSNP rs863223483, ClinGen allele CA320339.
Genomic context (GRCh38, chr9:134,842,272, plus strand): 5'-AGGTGCCCATCGTGGACATCATGTTCAATGACTTCGGTGAAGCGTCACAGAAATTTGGAT[T>G]TGAAGTGGGGCCGGCTTGCTTCATGGGCTAGGAGCCGCCGAGCCCGGGCTCCCGAGAGCA-3'
Protein context (NP_000084.3, residues 1819-1838): DFGEASQKFG[Phe1829Cys]EVGPACFMG